The following is an entry in ClinVar:

NM_001164508.2(NEB):c.10016T>G (p.Val3339Gly)

Gene: NEB (nebulin; minus strand). Cytogenetic location: 2q23.3.
Variant type: single nucleotide variant.
Coding change: c.10016T>G on transcript NM_001164508.2 (MANE Select); coding-DNA position 10016, T replaced by G.
Protein change: p.Val3339Gly; replaces valine 3339 with glycine.
Molecular consequence: missense variant.
Genome position (GRCh38, 1-based): chr2:151,627,650, A>C on the plus strand (T>G on the coding strand, the complement: NEB is on the minus strand). VCF-style: chr2-151627650-A-C. GRCh37 (hg19) VCF-style: chr2-152484164-A-C.
Other names: c.10016T>G, p.Val3339Gly (NM_001164507.2, NM_001271208.2); c.9287T>G, p.Val3096Gly (NM_004543.5); short protein forms V3096G, V3339G.
Identifiers: ClinVar variation 1053930 (VCV001053930.10), dbSNP rs778763661, ClinGen allele CA1909144.
Genomic context (GRCh38, chr2:151,627,650, plus strand): 5'-TCGTGCAGGTAGTTCTTGTAGTCCACATCGCTGACTAAGGTCTGGCACTTCTTGGCTAAC[A>C]CCACTCCCAGCATGTCCACTGGGCTGCTGAACTTGGTCTTCCACTTCTCAAAGTCCTTCT-3'
Protein context (NP_001157980.2, residues 3329-3349): FSSPVDMLGV[Val3339Gly]LAKKCQTLVS

ClinVar aggregate classification (germline): Uncertain significance. Review status: criteria provided, single submitter (1 of 4 stars). 2 submissions from 2 submitters: Uncertain significance (1). 1 of the submissions does not count toward it. Last evaluated 2021-08-20.

Conditions:
Nemaline myopathy 2 (NEM2). Also called: Nemaline myopathy 2, autosomal recessive. Identifiers: MedGen C1850569, MONDO:0009725, OMIM 256030.

Allele frequency attached by ClinVar (database versions not stated): TOPMed below 0.00001; gnomAD 0.00001; gnomAD exomes 0.00001; ExAC 0.00002.
gnomAD v4.1: 13 of 1,613,766 alleles (0.00081%); highest among the groups gnomAD compares: Non-Finnish European, 0.001%; no homozygotes.

Submissions (2):

Labcorp Genetics (formerly Invitae), Labcorp
Classification: Uncertain significance for Nemaline myopathy 2. Last evaluated: 2021-08-20. Review status: criteria provided, single submitter. Criteria: Invitae Variant Classification Sherloc (09022015). Collection method: clinical testing. Allele origin: germline.
Comment: This sequence change replaces valine with glycine at codon 3339 of the NEB protein (p.Val3339Gly). The valine residue is moderately conserved and there is a moderate physicochemical difference between valine and glycine. This variant is present in population databases (rs778763661, ExAC 0.004%). This variant has not been reported in the literature in individuals affected with NEB-related conditions. Algorithms developed to predict the effect of missense changes on protein structure and function are either unavailable or do not agree on the potential impact of this missense change (SIFT: "Deleterious"; PolyPhen-2: "Not Available"; Align-GVGD: "Class C0"). In summary, the available evidence is currently insufficient to determine the role of this variant in disease. Therefore, it has been classified as a Variant of Uncertain Significance.

Natera, Inc.
Classification: Uncertain significance for Nemaline myopathy type 2. Last evaluated: 2021-06-03. Review status: no assertion criteria provided. Collection method: clinical testing. Allele origin: germline. Not counted in ClinVar's aggregate classification.